The following is an entry in ClinVar:

ClinVar aggregate classification (germline): Uncertain significance (1 of 4 stars; one submission).

Conditions:
Inborn genetic diseases. Identifiers: MedGen C0950123, MeSH D030342.

gnomAD v4.1: 19 of 1,612,948 alleles (0.0012%); highest among the groups gnomAD compares: Non-Finnish European, 0.0016%; no homozygotes.

Submission:

Ambry Genetics
Classification: Uncertain significance for Inborn genetic diseases. Last evaluated: 2025-12-31. Review status: criteria provided, single submitter. Criteria: Ambry Variant Classification Scheme 2023. Collection method: clinical testing. Allele origin: germline.
Comment: The c.2660A>C (p.E887A) alteration is located in exon 19 (coding exon 19) of the ADAMTS3 gene. This alteration results from a A to C substitution at nucleotide position 2660, causing the glutamic acid (E) at amino acid position 887 to be replaced by an alanine (A). Based on data from gnomAD, the C allele has an overall frequency of 0.001% (2/282352) total alleles studied. The highest observed frequency was 0.002% (2/128850) of European (non-Finnish) alleles. Based on insufficient or conflicting evidence, the clinical significance of this alteration remains unclear.

NM_014243.3(ADAMTS3):c.2660A>C (p.Glu887Ala)

Gene: ADAMTS3 (ADAM metallopeptidase with thrombospondin type 1 motif 3; minus strand). Cytogenetic location: 4q13.3.
Variant type: single nucleotide variant.
Coding change: c.2660A>C on transcript NM_014243.3 (MANE Select); coding-DNA position 2660, A replaced by C.
Protein change: p.Glu887Ala; replaces glutamic acid 887 with alanine.
Molecular consequence: missense variant.
Genome position (GRCh38, 1-based): chr4:72,295,717, T>G on the plus strand (A>C on the coding strand, the complement: ADAMTS3 is on the minus strand). VCF-style: chr4-72295717-T-G. GRCh37 (hg19) VCF-style: chr4-73161434-T-G.
Other names: short protein forms E887A.
Identifiers: ClinVar variation 4828202 (VCV004828202.1).
Genomic context (GRCh38, chr4:72,295,717, plus strand): 5'-GGATGTGTACACTCTTGAATATTGCACATTCGTCTAATAGGTTTCGGCTTTTTGTTGGCC[T>G]CACAGAAGCTGCGATGGACCATTTTATTATCACTTTTCCTACGGCATCCATATTTAGTGT-3'
Protein context (NP_055058.2, residues 877-897): DNKMVHRSFC[Glu887Ala]ANKKPKPIRR